The following is an entry in ClinVar:

NM_015354.3(NUP188):c.3278G>A (p.Ser1093Asn)

Gene: NUP188 (nucleoporin 188; plus strand). Cytogenetic location: 9q34.11.
Variant type: single nucleotide variant.
Coding change: c.3278G>A on transcript NM_015354.3 (MANE Select); coding-DNA position 3278, G replaced by A.
Protein change: p.Ser1093Asn; replaces serine 1093 with asparagine.
Molecular consequence: missense variant.
Genome position (GRCh38, 1-based): chr9:128,995,441, G>A. VCF-style: chr9-128995441-G-A. GRCh37 (hg19) VCF-style: chr9-131757720-G-A.
Other names: short protein forms S1093N.
Identifiers: ClinVar variation 2227920 (VCV002227920.2), dbSNP rs2492106510, ClinGen allele CA375108277.
Genomic context (GRCh38, chr9:128,995,441, plus strand): 5'-CCTACTGGTCAGGGTATGTCAAGTCATTGGCAGTTCACGTGGCCGAAACAGAAGGCAGCA[G>A]CTGCACCTCCTTGTTAGAGTACCAGATGCTGGTGTCCGCCTGGAGGATGCTTCTCATCAT-3'
Protein context (NP_056169.1, residues 1083-1103): AVHVAETEGS[Ser1093Asn]CTSLLEYQML

ClinVar aggregate classification (germline): Uncertain significance (1 of 4 stars; one submission).

Conditions:
Inborn genetic diseases. Identifiers: MedGen C0950123, MeSH D030342.

Submission:

Ambry Genetics
Classification: Uncertain significance for Inborn genetic diseases. Last evaluated: 2020-11-18. Review status: criteria provided, single submitter. Criteria: Ambry Variant Classification Scheme 2023. Collection method: clinical testing. Allele origin: germline.
Comment: The c.3278G>A (p.S1093N) alteration is located in exon 30 (coding exon 30) of the NUP188 gene. This alteration results from a G to A substitution at nucleotide position 3278, causing the serine (S) at amino acid position 1093 to be replaced by an asparagine (N). Based on data from the Genome Aggregation Database (gnomAD), the NUP188 c.3278G>A alteration was not observed, with coverage at this position. This amino acid position is not well conserved in available vertebrate species. The p.S1093N alteration is predicted to be tolerated by in silico analysis. Based on insufficient or conflicting evidence, the clinical significance of this alteration remains unclear.